The following is an entry in ClinVar:

ClinVar aggregate classification (germline): Uncertain significance. Review status: criteria provided, multiple submitters, no conflicts (2 of 4 stars). 2 submissions from 2 submitters: Uncertain significance (2). Last evaluated 2025-08-10.

Conditions:
Inborn genetic diseases. Identifiers: MedGen C0950123, MeSH D030342.

Allele frequency attached by ClinVar (database versions not stated): gnomAD exomes below 0.00001; gnomAD 0.00005 and 0.00006; TOPMed 0.00010; 1000 Genomes Project 0.00040; 1000 Genomes Project 30x 0.00047.
gnomAD v4.1: 14 of 1,614,088 alleles (0.00087%); highest among the groups gnomAD compares: Admixed American, 0.015%; no homozygotes.

Submissions (2):

Ambry Genetics
Classification: Uncertain significance for Inborn genetic diseases. Last evaluated: 2025-08-10. Review status: criteria provided, single submitter. Criteria: Ambry Variant Classification Scheme 2023. Collection method: clinical testing. Allele origin: germline.

Labcorp Genetics (formerly Invitae), Labcorp
Classification: Uncertain significance. Last evaluated: 2025-01-06. Review status: criteria provided, single submitter. Criteria: Invitae Variant Classification Sherloc (09022015). Collection method: clinical testing. Allele origin: germline.
Comment: This sequence change replaces glycine with alanine at codon 374 of the CDH3 protein (p.Gly374Ala). The glycine residue is highly conserved and there is a small physicochemical difference between glycine and alanine. This variant is present in population databases (rs199986517, gnomAD 0.1%). This variant has not been reported in the literature in individuals affected with CDH3-related conditions. ClinVar contains an entry for this variant (Variation ID: 1485799). Invitae Evidence Modeling of protein sequence and biophysical properties (such as structural, functional, and spatial information, amino acid conservation, physicochemical variation, residue mobility, and thermodynamic stability) indicates that this missense variant is not expected to disrupt CDH3 protein function with a negative predictive value of 80%. In summary, the available evidence is currently insufficient to determine the role of this variant in disease. Therefore, it has been classified as a Variant of Uncertain Significance.

NM_001793.6(CDH3):c.1121G>C (p.Gly374Ala)

Gene: CDH3 (cadherin 3; plus strand). Cytogenetic location: 16q22.1.
Variant type: single nucleotide variant.
Coding change: c.1121G>C on transcript NM_001793.6 (MANE Select); coding-DNA position 1121, G replaced by C.
Protein change: p.Gly374Ala; replaces glycine 374 with alanine.
Molecular consequence: missense variant.
Genome position (GRCh38, 1-based): chr16:68,682,426, G>C. VCF-style: chr16-68682426-G-C. GRCh37 (hg19) VCF-style: chr16-68716329-G-C.
Other names: c.1121G>C, p.Gly374Ala (NM_001317195.3); c.956G>C, p.Gly319Ala (NM_001317196.2); c.1121G>C (NM_001793.4); short protein forms G319A, G374A.
Identifiers: ClinVar variation 1485799 (VCV001485799.6), dbSNP rs199986517, ClinGen allele CA283278430.